The following is an entry in ClinVar:

NM_001852.4(COL9A2):c.803G>A (p.Gly268Asp)

Gene: COL9A2 (collagen type IX alpha 2 chain; minus strand). Cytogenetic location: 1p34.2.
Variant type: single nucleotide variant.
Coding change: c.803G>A on transcript NM_001852.4 (MANE Select); coding-DNA position 803, G replaced by A.
Protein change: p.Gly268Asp; replaces glycine 268 with aspartic acid.
Molecular consequence: missense variant.
Genome position (GRCh38, 1-based): chr1:40,309,981, C>T on the plus strand (G>A on the coding strand, the complement: COL9A2 is on the minus strand). VCF-style: chr1-40309981-C-T. GRCh37 (hg19) VCF-style: chr1-40775653-C-T.
Other names: c.803G>A (NM_001852.3); short protein forms G268D.
Identifiers: ClinVar variation 1414451 (VCV001414451.9), dbSNP rs763966106, ClinGen allele CA791732.
Genomic context (GRCh38, chr1:40,309,981, plus strand): 5'-GGTGCCTGAGGACTCACCTCGTCACCCTTCTCCCCAGCTCGGCCTGGCGGTCCCCTAGGA[C>T]CTTCCTCACCCTGGCAAGAAAGACAAGCAGGAATCCAGGTCACACAGGCTCAGGGGGAGC-3'
Protein context (NP_001843.1, residues 258-278): IGATGPPGEE[Gly268Asp]PRGPPGRAGE

ClinVar aggregate classification (germline): Uncertain significance. Review status: criteria provided, multiple submitters, no conflicts (2 of 4 stars). 2 submissions from 2 submitters: Uncertain significance (2). Last evaluated 2025-07-29.

Allele frequency attached by ClinVar (database versions not stated): gnomAD 0.00001; gnomAD exomes 0.00002 and 0.00003; TOPMed 0.00002; ExAC 0.00006.
gnomAD v4.1: 29 of 1,614,036 alleles (0.0018%); highest among the groups gnomAD compares: East Asian, 0.051%; no homozygotes.

Submissions (2):

Labcorp Genetics (formerly Invitae), Labcorp
Classification: Uncertain significance. Last evaluated: 2025-07-29. Review status: criteria provided, single submitter. Criteria: Invitae Variant Classification Sherloc (09022015). Collection method: clinical testing. Allele origin: germline.
Comment: This sequence change replaces glycine, which is neutral and non-polar, with aspartic acid, which is acidic and polar, at codon 268 of the COL9A2 protein (p.Gly268Asp). This variant is present in population databases (rs763966106, gnomAD 0.04%). This variant has not been reported in the literature in individuals affected with COL9A2-related conditions. ClinVar contains an entry for this variant (Variation ID: 1414451). Invitae Evidence Modeling of protein sequence and biophysical properties (such as structural, functional, and spatial information, amino acid conservation, physicochemical variation, residue mobility, and thermodynamic stability) indicates that this missense variant is expected to disrupt COL9A2 protein function with a positive predictive value of 95%. In summary, the available evidence is currently insufficient to determine the role of this variant in disease. Therefore, it has been classified as a Variant of Uncertain Significance.

GeneDx
Classification: Uncertain significance. Last evaluated: 2024-04-11. Review status: criteria provided, single submitter. Criteria: GeneDx Variant Classification Process June 2021. Collection method: clinical testing. Allele origin: germline. Affected: yes.
Comment: Has not been previously published as pathogenic or benign to our knowledge; In silico analysis supports that this missense variant has a deleterious effect on protein structure/function